The following is an entry in ClinVar:

ClinVar aggregate classification (germline): Likely benign. Review status: criteria provided, single submitter (1 of 4 stars). 2 submissions from 2 submitters: Likely benign (1). 1 of the submissions does not count toward it. Last evaluated 2024-07-17.

Conditions:
ACBD6-related disorder. Also called: ACBD6-related condition.

Allele frequency attached by ClinVar (database versions not stated): ExAC 0.00001; gnomAD 0.00001; TOPMed 0.00002; gnomAD exomes 0.00003.
gnomAD v4.1: 53 of 1,613,848 alleles (0.0033%); highest among the groups gnomAD compares: Middle Eastern, 0.066%; no homozygotes.

Submissions (2):

Blueprint Genetics
Classification: Likely benign. Last evaluated: 2024-07-17. Review status: criteria provided, single submitter. Criteria: ACMG Guidelines, 2015. Collection method: clinical testing. Allele origin: germline.

PreventionGenetics, part of Exact Sciences
Classification: Likely benign for ACBD6-related condition. Last evaluated: 2019-04-04. Review status: no assertion criteria provided. Collection method: clinical testing. Allele origin: germline. Not counted in ClinVar's aggregate classification.
Comment: This variant is classified as likely benign based on ACMG/AMP sequence variant interpretation guidelines (Richards et al. 2015 PMID: 25741868, with internal and published modifications).

NM_032360.4(ACBD6):c.54G>A (p.Glu18=)

Gene: ACBD6 (acyl-CoA binding domain containing 6; minus strand). Cytogenetic location: 1q25.3.
Variant type: single nucleotide variant.
Coding change: c.54G>A on transcript NM_032360.4 (MANE Select); coding-DNA position 54, G replaced by A.
Protein change: p.Glu18=; no amino-acid change (glutamic acid 18 retained).
Molecular consequence: synonymous variant.
Genome position (GRCh38, 1-based): chr1:180,502,213, C>T on the plus strand (G>A on the coding strand, the complement: ACBD6 is on the minus strand). VCF-style: chr1-180502213-C-T. GRCh37 (hg19) VCF-style: chr1-180471348-C-T.
Identifiers: ClinVar variation 3057913 (VCV003057913.3), dbSNP rs778457212, ClinGen allele CA1272406.